The following is an entry in ClinVar:

NM_001127464.1:c.3140G>C

Gene: ZNF469 (zinc finger protein 469; plus strand).
Variant type: single nucleotide variant.
Identifiers: ClinVar variation 4845021 (VCV004845021.1).

ClinVar aggregate classification (germline): Uncertain significance (1 of 4 stars; one submission).

Conditions:
Cardiovascular phenotype. Identifiers: MedGen CN230736.

Submission:

Ambry Genetics
Classification: Uncertain significance for Cardiovascular phenotype. Last evaluated: 2026-02-14. Review status: criteria provided, single submitter. Criteria: Ambry Variant Classification Scheme 2023. Collection method: clinical testing. Allele origin: germline.
Comment: The p.G1047A variant (also known as c.3140G>C), located in coding exon 1 of the ZNF469 gene, results from a G to C substitution at nucleotide position 3140. The glycine at codon 1047 is replaced by alanine, an amino acid with similar properties. This amino acid position is conserved. In addition, this alteration is predicted to be tolerated by in silico analysis. Based on the available evidence, the clinical significance of this variant remains unclear.